The following is an entry in ClinVar:

NM_000170.3(GLDC):c.1009C>T (p.Arg337Ter)

Gene: GLDC (glycine decarboxylase; minus strand). Cytogenetic location: 9p24.1.
Variant type: single nucleotide variant.
Coding change: c.1009C>T on transcript NM_000170.3 (MANE Select); coding-DNA position 1009, C replaced by T.
Protein change: p.Arg337Ter; replaces arginine 337 with a stop codon.
Molecular consequence: nonsense.
Genome position (GRCh38, 1-based): chr9:6,604,637, G>A on the plus strand (C>T on the coding strand, the complement: GLDC is on the minus strand). VCF-style: chr9-6604637-G-A. GRCh37 (hg19) VCF-style: chr9-6604637-G-A.
Other names: short protein forms R337*.
Identifiers: ClinVar variation 56036 (VCV000056036.25), dbSNP rs386833517, ClinGen allele CA263279.
Genomic context (GRCh38, chr9:6,604,637, plus strand): 5'-AGCCCCTTTACCTTGTTACCCCCACCATTCTTCCAGGCATCATTCTCACCAAGCTTTCTC[G>A]GACAGCAAAAAATGCTGCATGGGGTCCCCCATAGCCCAGTGGCACTCCAAATCTCTGGGA-3'

ClinVar aggregate classification (germline): Pathogenic. Review status: criteria provided, multiple submitters, no conflicts (2 of 4 stars). 10 submissions from 10 submitters: Pathogenic (8). 2 of the submissions do not count toward it. Last evaluated 2025-12-09.

Conditions:
Glycine encephalopathy 1 (GCE1). Identifiers: MedGen CN376801, MONDO:0958179, OMIM 605899.
Glycine encephalopathy. Also called: Nonketotic hyperglycinemia; Non-ketotic hyperglycinemia. Identifiers: Orphanet 407, MedGen C0751748, MONDO:0011612, HP:0008288.

Allele frequency attached by ClinVar (database versions not stated): ExAC 0.00001; TOPMed 0.00001; gnomAD 0.00003.
gnomAD v4.1: 21 of 1,613,410 alleles (0.0013%); highest among the groups gnomAD compares: Non-Finnish European, 0.0015%; no homozygotes.

Submissions (10):

Labcorp Genetics (formerly Invitae), Labcorp
Classification: Pathogenic for Glycine encephalopathy. Last evaluated: 2025-12-09. Review status: criteria provided, single submitter. Criteria: Invitae Variant Classification Sherloc (09022015). Collection method: clinical testing. Allele origin: germline.
Comment: This sequence change creates a premature translational stop signal (p.Arg337*) in the GLDC gene. It is expected to result in an absent or disrupted protein product. Loss-of-function variants in GLDC are known to be pathogenic (PMID: 16601880). This variant is present in population databases (rs386833517, gnomAD 0.003%). This premature translational stop signal has been observed in individual(s) with glycine encephalopathy (PMID: 16601880, 26179960). ClinVar contains an entry for this variant (Variation ID: 56036). Algorithms developed to predict the effect of sequence changes on RNA splicing suggest that this variant may disrupt the consensus splice site. For these reasons, this variant has been classified as Pathogenic.

Natera, Inc.
Classification: Pathogenic for Non-ketotic hyperglycinemia. Last evaluated: 2025-01-29. Review status: criteria provided, single submitter. Criteria: Natera Variant Classification Schema (03/2026). Collection method: clinical testing. Allele origin: germline.
Comment: The c.1009C>T variant in GLDC is a nonsense variant predicted to introduce a stop codon at amino acid 337. This variant is expected to result in nonsense mediated decay, truncation, or a dysfunctional protein product. This variant is rare in the general population with a frequency below the threshold expected for the associated phenotype(s). This variant has been observed in one or more individuals affected with the associated recessive disease, as either homozygous or compound heterozygous with a second variant (PMID: 26179960). Given the available evidence, this variant is classified as Pathogenic.

Fulgent Genetics
Classification: Pathogenic for Glycine encephalopathy 1. Last evaluated: 2024-03-21. Review status: criteria provided, single submitter. Criteria: ACMG Guidelines, 2015. Collection method: clinical testing. Allele origin: germline.

3billion
Classification: Pathogenic for Glycine encephalopathy 1. Last evaluated: 2024-03-08. Review status: criteria provided, single submitter. Criteria: ACMG Guidelines, 2015. Collection method: clinical testing. Allele origin: germline. Affected: yes.
Comment: The variant is observed at an extremely low frequency in the gnomAD v2.1.1 dataset (total allele frequency: 0.002%). Predicted Consequence/Location: Stop-gained (nonsense): predicted to result in a loss or disruption of normal protein function through nonsense-mediated decay (NMD) or protein truncation. Multiple pathogenic variants are reported downstream of the variant. The variant has been reported at least twice as pathogenic with clinical assertions and evidence for the classification (ClinVar ID: VCV000056036 /PMID: 16601880). Therefore, this variant is classified as Pathogenic according to the recommendation of ACMG/AMP guideline.

Laboratory of Medical Genetics, National & Kapodistrian University of Athens
Classification: Pathogenic for Glycine encephalopathy 1. Last evaluated: 2024-02-01. Review status: criteria provided, single submitter. Criteria: ACMG Guidelines, 2015. Collection method: curation. Allele origin: germline. Affected: no.

GeneDx
Classification: Pathogenic. Last evaluated: 2022-06-07. Review status: criteria provided, single submitter. Criteria: GeneDx Variant Classification Process June 2021. Collection method: clinical testing. Allele origin: germline. Affected: yes.
Comment: Nonsense variant predicted to result in protein truncation or nonsense mediated decay in a gene for which loss of function is a known mechanism of disease; Not observed at significant frequency in large population cohorts (gnomAD); This variant is associated with the following publications: (PMID: 25525159, 16601880, 28714951, 27362913, 26179960, 31980526)

Genomic Research Center, Shahid Beheshti University of Medical Sciences
Classification: Pathogenic. Last evaluated: 2020-05-03. Review status: criteria provided, single submitter. Criteria: ACMG Guidelines, 2015. Collection method: clinical testing. Allele origin: unknown. Affected: no.

Women's Health and Genetics/Laboratory Corporation of America, LabCorp
Classification: Pathogenic for Glycine encephalopathy. Last evaluated: 2016-10-14. Review status: criteria provided, single submitter. Criteria: LabCorp Variant Classification Summary - May 2015. Collection method: clinical testing. Allele origin: germline.
Comment: Variant summary: The GLDC c.1009C>T (p.Arg337X) variant results in a premature termination codon, predicted to cause a truncated or absent GLDC protein due to nonsense mediated decay, which are commonly known mechanisms for disease. One in silico tool predicts a damaging outcome for this variant. This variant was found in 1/121360 control chromosomes at a frequency of 0.0000082, which does not exceed the estimated maximal expected allele frequency of a pathogenic GLDC variant (0.0026112). The variant has been reported in numerous affected individuals in the literature. In addition, one clinical diagnostic laboratory has classified this variant as likely pathogenic. Taken together, this variant is classified as pathogenic.

Counsyl
Classification: Pathogenic for Glycine encephalopathy 1. Last evaluated: 2017-03-01. Review status: no assertion criteria provided. Collection method: clinical testing. Allele origin: unknown. Not counted in ClinVar's aggregate classification.

Juha Muilu Group; Institute for Molecular Medicine Finland (FIMM)
Classification: Likely pathogenic for Non-ketotic hyperglycinemia. Review status: no assertion criteria provided. Collection method: not provided. Allele origin: unknown. Not counted in ClinVar's aggregate classification.
Comment: FinDis database variant: This variant was not found or characterized by our laboratory, data were collected from public sources: see reference
ClinVar note: Converted during submission from probable-pathogenic to Likely pathogenic.

Literature cited by the submitters: PubMed 16601880 (cited by 4 submitters); PubMed 26179960 (cited by 4 submitters); PubMed 27362913 (cited by Women's Health and Genetics/Laboratory Corporation of America, LabCorp); PubMed 25525159 (cited by Counsyl).